The following is an entry in ClinVar:

ClinVar aggregate classification (germline): Likely pathogenic (1 of 4 stars; one submission).

Submission:

GeneDx
Classification: Likely pathogenic. Last evaluated: 2023-04-25. Review status: criteria provided, single submitter. Criteria: GeneDx Variant Classification Process June 2021. Collection method: clinical testing. Allele origin: germline. Affected: yes.
Comment: Canonical splice site variant expected to result in aberrant splicing, although in the absence of functional evidence the actual effect of this sequence change is unknown.; Not observed at significant frequency in large population cohorts (gnomAD); Has not been previously published as pathogenic or benign to our knowledge

NM_014727.3(KMT2B):c.2458-2A>G

Gene: KMT2B (lysine methyltransferase 2B; plus strand). Cytogenetic location: 19q13.12.
Variant type: single nucleotide variant.
Coding change: c.2458-2A>G on transcript NM_014727.3 (MANE Select); the canonical splice acceptor site of the intron before coding-DNA position 2458, A replaced by G.
Molecular consequence: splice acceptor variant.
Genome position (GRCh38, 1-based): chr19:35,722,357, A>G. VCF-style: chr19-35722357-A-G. GRCh37 (hg19) VCF-style: chr19-36213259-A-G.
Identifiers: ClinVar variation 2500602 (VCV002500602.1), dbSNP rs2513320923, ClinGen allele CA405398219.
Genomic context (GRCh38, chr19:35,722,357, plus strand): 5'-CCAGCTCCCTGTCCCTATCTTTCCTCACTGTCCAGCCCCTGACCCTGTTTATTCCCTGCC[A>G]GCTGAGCCCTGGAGGGCAGATGGAGGAGGTGGCCGGGGCTGTCAAGCAGATCTCCGACAG-3'